The following is an entry in ClinVar:

NM_001365276.2(TNXB):c.9160A>G (p.Thr3054Ala)

Gene: TNXB (tenascin XB; minus strand). Cytogenetic location: 6p21.33.
Variant type: single nucleotide variant.
Coding change: c.9160A>G on transcript NM_001365276.2 (MANE Select); coding-DNA position 9160, A replaced by G.
Protein change: p.Thr3054Ala; replaces threonine 3054 with alanine.
Molecular consequence: missense variant.
Genome position (GRCh38, 1-based): chr6:32,050,277, T>C on the plus strand (A>G on the coding strand, the complement: TNXB is on the minus strand). VCF-style: chr6-32050277-T-C. GRCh37 (hg19) VCF-style: chr6-32018054-T-C.
Other names: c.9154A>G, p.Thr3052Ala (NM_019105.8); short protein forms T3052A, T3054A.
Identifiers: ClinVar variation 3327913 (VCV003327913.1).

ClinVar aggregate classification (germline): Uncertain significance (1 of 4 stars; one submission).

Conditions:
Cardiovascular phenotype. Identifiers: MedGen CN230736.

gnomAD v4.1: 4 of 1,613,014 alleles (0.00025%); highest among the groups gnomAD compares: Non-Finnish European, 0.00034%; no homozygotes.

Submission:

Ambry Genetics
Classification: Uncertain significance for Cardiovascular phenotype. Last evaluated: 2024-05-23. Review status: criteria provided, single submitter. Criteria: Ambry Variant Classification Scheme 2023. Collection method: clinical testing. Allele origin: germline.
Comment: The p.T3052A variant (also known as c.9154A>G), located in coding exon 26 of the TNXB gene, results from an A to G substitution at nucleotide position 9154. The threonine at codon 3052 is replaced by alanine, an amino acid with similar properties. This amino acid position is conserved. In addition, this alteration is predicted to be tolerated by in silico analysis. Based on the available evidence, the clinical significance of this variant remains unclear.